The following is an entry in ClinVar:

ClinVar aggregate classification (germline): Uncertain significance (1 of 4 stars; one submission).

Conditions:
Focal segmental glomerulosclerosis 5 (FSGS5). Identifiers: Orphanet 656, MedGen C2750475, MONDO:0013191, OMIM 613237.
Charcot-Marie-Tooth disease dominant intermediate E. Also called: CHARCOT-MARIE-TOOTH NEUROPATHY WITH FOCAL SEGMENTAL GLOMERULONEPHRITIS. Identifiers: Orphanet 93114, MedGen C4302667, MONDO:0013758, OMIM 614455.

Allele frequency attached by ClinVar (database versions not stated): gnomAD exomes below 0.00001; TOPMed below 0.00001; gnomAD 0.00001.
gnomAD v4.1: 6 of 1,548,926 alleles (0.00039%); highest among the groups gnomAD compares: African/African-American, 0.0069%; no homozygotes.

Submission:

Labcorp Genetics (formerly Invitae), Labcorp
Classification: Uncertain significance for Charcot-Marie-Tooth disease dominant intermediate E; Focal segmental glomerulosclerosis 5. Last evaluated: 2025-06-12. Review status: criteria provided, single submitter. Criteria: Invitae Variant Classification Sherloc (09022015). Collection method: clinical testing. Allele origin: germline.
Comment: This sequence change replaces serine, which is neutral and polar, with threonine, which is neutral and polar, at codon 409 of the INF2 protein (p.Ser409Thr). This variant is not present in population databases (gnomAD no frequency). This variant has not been reported in the literature in individuals affected with INF2-related conditions. ClinVar contains an entry for this variant (Variation ID: 2196471). Invitae Evidence Modeling of protein sequence and biophysical properties (such as structural, functional, and spatial information, amino acid conservation, physicochemical variation, residue mobility, and thermodynamic stability) indicates that this missense variant is not expected to disrupt INF2 protein function with a negative predictive value of 95%. In summary, the available evidence is currently insufficient to determine the role of this variant in disease. Therefore, it has been classified as a Variant of Uncertain Significance.

NM_022489.4(INF2):c.1225T>A (p.Ser409Thr)

Gene: INF2 (inverted formin 2; plus strand). Cytogenetic location: 14q32.33.
Variant type: single nucleotide variant.
Coding change: c.1225T>A on transcript NM_022489.4 (MANE Select); coding-DNA position 1225, T replaced by A.
Protein change: p.Ser409Thr; replaces serine 409 with threonine.
Molecular consequence: missense variant.
Genome position (GRCh38, 1-based): chr14:104,707,492, T>A. VCF-style: chr14-104707492-T-A. GRCh37 (hg19) VCF-style: chr14-105173829-T-A.
Other names: c.1225T>A, p.Ser409Thr (NM_001031714.4); short protein forms S409T.
Identifiers: ClinVar variation 2196471 (VCV002196471.4), dbSNP rs1889834392, ClinGen allele CA391216211.